The following is an entry in ClinVar:

NM_001348323.3(TRIP12):c.3991C>G (p.Gln1331Glu)

Gene: TRIP12 (thyroid hormone receptor interactor 12; minus strand). Cytogenetic location: 2q36.3.
Variant type: single nucleotide variant.
Coding change: c.3991C>G on transcript NM_001348323.3 (MANE Select); coding-DNA position 3991, C replaced by G.
Protein change: p.Gln1331Glu; replaces glutamine 1331 with glutamic acid.
Molecular consequence: missense variant.
Genome position (GRCh38, 1-based): chr2:229,793,123, G>C on the plus strand (C>G on the coding strand, the complement: TRIP12 is on the minus strand). VCF-style: chr2-229793123-G-C. GRCh37 (hg19) VCF-style: chr2-230657839-G-C.
Other names: c.3910C>G, p.Gln1304Glu (NM_001284214.2, NM_001348315.2); c.3865C>G, p.Gln1289Glu (NM_001284215.2, NM_001348316.2); c.2956C>G, p.Gln986Glu (NM_001284216.2); c.3850C>G, p.Gln1284Glu (NM_001348317.1, NM_001348318.2); c.3976C>G, p.Gln1326Glu (NM_001348319.1, NM_001348320.2); c.3979C>G, p.Gln1327Glu (NM_001348321.1); c.3991C>G, p.Gln1331Glu (NM_001348322.1, NM_001348324.2, NM_001348325.2 and 2 more transcripts); c.3994C>G, p.Gln1332Glu (NM_001348328.1, NM_001348329.2, NM_001348330.2); and 4 more; short protein forms Q1256E, Q1257E, Q1284E, Q1289E, Q1297E, Q1304E, Q1305E, Q1326E.
Identifiers: ClinVar variation 4891295 (VCV004891295.1).

ClinVar aggregate classification (germline): Uncertain significance (1 of 4 stars; one submission).

Conditions:
Clark-Baraitser syndrome. Also called: MENTAL RETARDATION, AUTOSOMAL DOMINANT 49; BARAITSER SYNDROME; Mental retardation, tall stature, obesity, macrocephaly and typical facial features; Intellectual disability, autosomal dominant 49. Identifiers: Orphanet 600731, MedGen C2931130, MONDO:0030914, OMIM 617752.

Submission:

Clinical Genetics Laboratory, University Hospital Schleswig-Holstein
Classification: Uncertain significance for Clark-Baraitser syndrome. Last evaluated: 2025-11-24. Review status: criteria provided, single submitter. Criteria: ACMG Guidelines, 2015. Collection method: clinical testing. Allele origin: maternal. Affected: yes. Observed: 1 heterozygote.
Comment: ACMG criteria applied: PM2, BS4_Supporting